The following is an entry in ClinVar:

NM_000135.4(FANCA):c.3404T>G (p.Phe1135Cys)

Genes: FANCA (FA complementation group A; minus strand), LOC132090450 (Neanderthal introgressed variant-containing enhancer experimental_46718; plus strand). Cytogenetic location: 16q24.3.
Variant type: single nucleotide variant.
Coding change: c.3404T>G on transcript NM_000135.4 (MANE Select); coding-DNA position 3404, T replaced by G.
Protein change: p.Phe1135Cys; replaces phenylalanine 1135 with cysteine.
Molecular consequence: missense variant.
Genome position (GRCh38, 1-based): chr16:89,746,835, A>C on the plus strand (T>G on the coding strand, the complement: FANCA is on the minus strand). VCF-style: chr16-89746835-A-C. GRCh37 (hg19) VCF-style: chr16-89813243-A-C.
Other names: c.3404T>G, p.Phe1135Cys (NM_001286167.3); short protein forms F1135C.
Identifiers: ClinVar variation 1692219 (VCV001692219.1), dbSNP rs2143108985, ClinGen allele CA397486047.
Genomic context (GRCh38, chr16:89,746,835, plus strand): 5'-GGATCCACCCACGGCGTTCTGAGAAGGCCACGAGAGGGGCTGAGGGAGCATCTCACCCTG[A>C]AGAAGTGGGCAGTGATGTCCTGTGTCAGGGCACCTCCGTGGGAGCAGAAGTTTCTCTGCA-3'
Protein context (NP_000126.2, residues 1125-1145): ALTQDITAHF[Phe1135Cys]RGLLNACLRS

ClinVar aggregate classification (germline): Uncertain significance (1 of 4 stars; one submission).

Conditions:
Fanconi anemia (FA). Also called: Fanconi's anemia. Identifiers: Orphanet 84, MedGen C0015625, MeSH D005199, MONDO:0019391.

gnomAD v4.1: 1 of 1,565,464 alleles (0.000064%); no homozygotes.

Submission:

Sema4
Classification: Uncertain significance for Fanconi anemia. Last evaluated: 2021-10-19. Review status: criteria provided, single submitter. Criteria: Sema4 Curation Guidelines. Collection method: curation. Allele origin: germline.
Comment: The FANCA c.3404T>G (p.F1135C) variant has not been reported in the literature to our knowledge. It was not observed in the large and broad cohorts of the Genome Aggregation Database (PMID: 32461654), nor in ClinVar. In silico tools suggest the impact of the variant on protein function is deleterious, though these predictions have not been confirmed by functional studies. The evidence is insufficient to meet ACMG/AMP criteria for classifying the variant as benign or pathogenic. Thus, the clinical significance of this variant is currently uncertain.